The following is an entry in ClinVar:

ClinVar aggregate classification (germline): Uncertain significance (1 of 4 stars; one submission).

Conditions:
Cardiovascular phenotype. Identifiers: MedGen CN230736.

Submission:

Ambry Genetics
Classification: Uncertain significance for Cardiovascular phenotype. Last evaluated: 2024-02-17. Review status: criteria provided, single submitter. Criteria: Ambry Variant Classification Scheme 2023. Collection method: clinical testing. Allele origin: germline.
Comment: The p.V278A variant (also known as c.833T>C), located in coding exon 9 of the CACNB2 gene, results from a T to C substitution at nucleotide position 833. The valine at codon 278 is replaced by alanine, an amino acid with similar properties. This amino acid position is conserved. In addition, this alteration is predicted to be tolerated by in silico analysis. Based on the available evidence, the clinical significance of this alteration remains unclear.

NM_201596.3(CACNB2):c.995T>C (p.Val332Ala)

Gene: CACNB2 (calcium voltage-gated channel auxiliary subunit beta 2; plus strand). Cytogenetic location: 10p12.31.
Variant type: single nucleotide variant.
Coding change: c.995T>C on transcript NM_201596.3 (MANE Select); coding-DNA position 995, T replaced by C.
Protein change: p.Val332Ala; replaces valine 332 with alanine.
Molecular consequence: missense variant.
Genome position (GRCh38, 1-based): chr10:18,527,638, T>C. VCF-style: chr10-18527638-T-C. GRCh37 (hg19) VCF-style: chr10-18816567-T-C.
Other names: c.830T>C, p.Val277Ala (NM_000724.4); c.797T>C, p.Val266Ala (NM_001167945.2); c.716T>C, p.Val239Ala (NM_001330060.2); c.737T>C, p.Val246Ala (NM_001410882.1); c.851T>C, p.Val284Ala (NM_201570.3); c.911T>C, p.Val304Ala (NM_201571.4); c.839T>C, p.Val280Ala (NM_201572.4); c.833T>C, p.Val278Ala (NM_201590.3); and 2 more; short protein forms V239A, V246A, V266A, V277A, V278A, V280A, V284A, V294A.
Identifiers: ClinVar variation 3230208 (VCV003230208.1), dbSNP rs2494685402, ClinGen allele CA376065257.
Genomic context (GRCh38, chr10:18,527,638, plus strand): 5'-CCTCCAACAGGATATCCATCACAAGGGTCACCGCTGACATCTCGCTTGCCAAACGCTCGG[T>C]ATTAAACAATCCCAGTAAGCACGCAATAATAGAAAGATCCAACACAAGGTCAAGCTTAGG-3'
Protein context (NP_963890.2, residues 322-342): TADISLAKRS[Val332Ala]LNNPSKHAII